The following is an entry in ClinVar:

ClinVar aggregate classification (germline): Uncertain significance (1 of 4 stars; one submission).

Conditions:
Familial meningioma. Also called: Meningioma, familial, susceptibility to. Identifiers: Orphanet 263662, MedGen C3551915, MONDO:0011789, OMIM 607174.

Submission:

Labcorp Genetics (formerly Invitae), Labcorp
Classification: Uncertain significance for Familial meningioma. Last evaluated: 2024-01-27. Review status: criteria provided, single submitter. Criteria: Invitae Variant Classification Sherloc (09022015). Collection method: clinical testing. Allele origin: germline.
Comment: This sequence change replaces serine, which is neutral and polar, with phenylalanine, which is neutral and non-polar, at codon 162 of the SMARCE1 protein (p.Ser162Phe). This variant is not present in population databases (gnomAD no frequency). This variant has not been reported in the literature in individuals affected with SMARCE1-related conditions. Advanced modeling of protein sequence and biophysical properties (such as structural, functional, and spatial information, amino acid conservation, physicochemical variation, residue mobility, and thermodynamic stability) performed at Invitae indicates that this missense variant is expected to disrupt SMARCE1 protein function with a positive predictive value of 80%. In summary, the available evidence is currently insufficient to determine the role of this variant in disease. Therefore, it has been classified as a Variant of Uncertain Significance.

NM_003079.5(SMARCE1):c.485C>T (p.Ser162Phe)

Gene: SMARCE1 (SWI/SNF related BAF chromatin remodeling complex subunit E1; minus strand). Cytogenetic location: 17q21.2.
Variant type: single nucleotide variant.
Coding change: c.485C>T on transcript NM_003079.5 (MANE Select); coding-DNA position 485, C replaced by T.
Protein change: p.Ser162Phe; replaces serine 162 with phenylalanine.
Molecular consequence: missense variant.
Genome position (GRCh38, 1-based): chr17:40,635,987, G>A on the plus strand (C>T on the coding strand, the complement: SMARCE1 is on the minus strand). VCF-style: chr17-40635987-G-A. GRCh37 (hg19) VCF-style: chr17-38792239-G-A.
Other names: short protein forms S162F.
Identifiers: ClinVar variation 2713359 (VCV002713359.3), dbSNP rs2508603596, ClinGen allele CA399366384.